The following is an entry in ClinVar:

NM_031844.3(HNRNPU):c.1825A>G (p.Lys609Glu)

Gene: HNRNPU (heterogeneous nuclear ribonucleoprotein U; minus strand). Cytogenetic location: 1q44.
Variant type: single nucleotide variant.
Coding change: c.1825A>G on transcript NM_031844.3 (MANE Select); coding-DNA position 1825, A replaced by G.
Protein change: p.Lys609Glu; replaces lysine 609 with glutamic acid.
Molecular consequence: missense variant.
Genome position (GRCh38, 1-based): chr1:244,856,544, T>C on the plus strand (A>G on the coding strand, the complement: HNRNPU is on the minus strand). VCF-style: chr1-244856544-T-C. GRCh37 (hg19) VCF-style: chr1-245019846-T-C.
Other names: c.1768A>G, p.Lys590Glu (NM_004501.3); short protein forms K590E, K609E.
Identifiers: ClinVar variation 1006306 (VCV001006306.9), dbSNP rs1680685512, ClinGen allele CA345489171.

ClinVar aggregate classification (germline): Uncertain significance (1 of 4 stars; one submission).

Conditions:
Developmental and epileptic encephalopathy, 54. Also called: Epileptic encephalopathy, early infantile, 54; HNRNPU-Related Neurodevelopmental Disorder. Identifiers: MedGen C4479319, MONDO:0033363, OMIM 617391.

Submission:

Labcorp Genetics (formerly Invitae), Labcorp
Classification: Uncertain significance for Developmental and epileptic encephalopathy, 54. Last evaluated: 2026-01-17. Review status: criteria provided, single submitter. Criteria: Invitae Variant Classification Sherloc (09022015). Collection method: clinical testing. Allele origin: germline.
Comment: This sequence change replaces lysine, which is basic and polar, with glutamic acid, which is acidic and polar, at codon 609 of the HNRNPU protein (p.Lys609Glu). This variant is not present in population databases (gnomAD no frequency). This variant has not been reported in the literature in individuals affected with HNRNPU-related conditions. ClinVar contains an entry for this variant (Variation ID: 1006306). Invitae Evidence Modeling of protein sequence and biophysical properties (such as structural, functional, and spatial information, amino acid conservation, physicochemical variation, residue mobility, and thermodynamic stability) indicates that this missense variant is not expected to disrupt HNRNPU protein function with a negative predictive value of 95%. In summary, the available evidence is currently insufficient to determine the role of this variant in disease. Therefore, it has been classified as a Variant of Uncertain Significance.